The following is an entry in ClinVar:

ClinVar aggregate classification (germline): Uncertain significance (1 of 4 stars; one submission).

gnomAD v4.1: 10 of 1,613,944 alleles (0.00062%); highest among the groups gnomAD compares: South Asian, 0.0011%; no homozygotes.

Submission:

Labcorp Genetics (formerly Invitae), Labcorp
Classification: Uncertain significance. Last evaluated: 2023-10-03. Review status: criteria provided, single submitter. Criteria: Invitae Variant Classification Sherloc (09022015). Collection method: clinical testing. Allele origin: germline.
Comment: This sequence change replaces glycine with arginine at codon 1140 of the ADAMTS18 protein (p.Gly1140Arg). The glycine residue is highly conserved and there is a moderate physicochemical difference between glycine and arginine. This variant is present in population databases (no rsID available, gnomAD 0.0009%). This variant has not been reported in the literature in individuals affected with ADAMTS18-related conditions. ClinVar contains an entry for this variant (Variation ID: 1390174). An algorithm developed to predict the effect of missense changes on protein structure and function (PolyPhen-2) suggests that this variant is likely to be disruptive. In summary, the available evidence is currently insufficient to determine the role of this variant in disease. Therefore, it has been classified as a Variant of Uncertain Significance.

NM_199355.4(ADAMTS18):c.3418G>C (p.Gly1140Arg)

Genes: ADAMTS18 (ADAM metallopeptidase with thrombospondin type 1 motif 18; minus strand), LOC126862407 (CDK7 strongly-dependent group 2 enhancer GRCh37_chr16:77322970-77324169; plus strand). Cytogenetic location: 16q23.1.
Variant type: single nucleotide variant.
Coding change: c.3418G>C on transcript NM_199355.4 (MANE Select); coding-DNA position 3418, G replaced by C.
Protein change: p.Gly1140Arg; replaces glycine 1140 with arginine.
Molecular consequence: missense variant.
Genome position (GRCh38, 1-based): chr16:77,289,396, C>G on the plus strand (G>C on the coding strand, the complement: ADAMTS18 is on the minus strand). VCF-style: chr16-77289396-C-G. GRCh37 (hg19) VCF-style: chr16-77323293-C-G.
Other names: c.2902G>C, p.Gly968Arg (NM_001326358.2); short protein forms G1140R, G968R.
Identifiers: ClinVar variation 1390174 (VCV001390174.6), dbSNP rs751775332, ClinGen allele CA396830739.
Genomic context (GRCh38, chr16:77,289,396, plus strand): 5'-AACTTGAGGAAGGCCGGCCTTGCTGAACACAGTGGACTGACCGGGTCTGGACCCCTCCCC[C>G]ACAGGTGACTGTGCACTGCAGCAGAGAGAAGAGGAAGGAGTCAGAAACACTCTACTGAGG-3'
Protein context (NP_955387.1, residues 1130-1150): LPWQQCTVTC[Gly1140Arg]GGVQTRSVHC